The following is an entry in ClinVar:

ClinVar aggregate classification (germline): Uncertain significance (1 of 4 stars; one submission).

Submission:

Labcorp Genetics (formerly Invitae), Labcorp
Classification: Uncertain significance. Last evaluated: 2019-02-18. Review status: criteria provided, single submitter. Criteria: Invitae Variant Classification Sherloc (09022015). Collection method: clinical testing. Allele origin: germline.
Comment: In summary, the available evidence is currently insufficient to determine the role of this variant in disease. Therefore, it has been classified as a Variant of Uncertain Significance. This sequence change replaces valine with leucine at codon 872 of the PLEKHM2 protein (p.Val872Leu). The valine residue is highly conserved and there is a small physicochemical difference between valine and leucine. This variant is not present in population databases (ExAC no frequency). This variant has not been reported in the literature in individuals with PLEKHM2-related conditions. Algorithms developed to predict the effect of missense changes on protein structure and function are either unavailable or do not agree on the potential impact of this missense change (SIFT: "Tolerated"; PolyPhen-2: "Possibly Damaging"; Align-GVGD: "Class C0").

NM_015164.4(PLEKHM2):c.2614G>T (p.Val872Leu)

Gene: PLEKHM2 (pleckstrin homology and RUN domain containing M2; plus strand). Cytogenetic location: 1p36.21.
Variant type: single nucleotide variant.
Coding change: c.2614G>T on transcript NM_015164.4 (MANE Select); coding-DNA position 2614, G replaced by T.
Protein change: p.Val872Leu; replaces valine 872 with leucine.
Molecular consequence: missense variant.
Genome position (GRCh38, 1-based): chr1:15,732,037, G>T. VCF-style: chr1-15732037-G-T. GRCh37 (hg19) VCF-style: chr1-16058532-G-T.
Other names: short protein forms V872L.
Identifiers: ClinVar variation 858019 (VCV000858019.9), dbSNP rs868336310, ClinGen allele CA18268417.